The following is an entry in ClinVar:

NM_206933.4(USH2A):c.2707G>T (p.Asp903Tyr)

Genes: USH2A (usherin; minus strand), LOC122152296 (Sharpr-MPRA regulatory region 8762; plus strand). Cytogenetic location: 1q41.
Variant type: single nucleotide variant.
Coding change: c.2707G>T on transcript NM_206933.4 (MANE Select); coding-DNA position 2707, G replaced by T.
Protein change: p.Asp903Tyr; replaces aspartic acid 903 with tyrosine.
Molecular consequence: missense variant.
Genome position (GRCh38, 1-based): chr1:216,246,687, C>A on the plus strand (G>T on the coding strand, the complement: USH2A is on the minus strand). VCF-style: chr1-216246687-C-A. GRCh37 (hg19) VCF-style: chr1-216420029-C-A.
Other names: c.2707G>T, p.Asp903Tyr (NM_007123.6); short protein forms D903Y.
Identifiers: ClinVar variation 1018385 (VCV001018385.7), dbSNP rs180994250, ClinGen allele CA1396184.

ClinVar aggregate classification (germline): Uncertain significance. Review status: criteria provided, multiple submitters, no conflicts (2 of 4 stars). 3 submissions from 3 submitters: Uncertain significance (2). 1 of the submissions does not count toward it. Last evaluated 2025-03-03.

Conditions:
Usher syndrome type 2A. Also called: RETINAL DISEASE IN USHER SYNDROME TYPE IIA, MODIFIER OF; USHER SYNDROME, TYPE IIA. Identifiers: Orphanet 231178, Orphanet 886, MedGen C1848634, MONDO:0010169, OMIM 276901.

Allele frequency attached by ClinVar (database versions not stated): ExAC 0.00002; gnomAD exomes 0.00002; TOPMed 0.00007; gnomAD 0.00009; 1000 Genomes Project 30x 0.00031; 1000 Genomes Project 0.00040.
gnomAD v4.1: 29 of 1,614,128 alleles (0.0018%); highest among the groups gnomAD compares: African/African-American, 0.035%; no homozygotes.

Submissions (3):

Labcorp Genetics (formerly Invitae), Labcorp
Classification: Uncertain significance. Last evaluated: 2025-03-03. Review status: criteria provided, single submitter. Criteria: Invitae Variant Classification Sherloc (09022015). Collection method: clinical testing. Allele origin: germline.
Comment: This sequence change replaces aspartic acid, which is acidic and polar, with tyrosine, which is neutral and polar, at codon 903 of the USH2A protein (p.Asp903Tyr). This variant is present in population databases (rs180994250, gnomAD 0.02%). This variant has not been reported in the literature in individuals affected with USH2A-related conditions. ClinVar contains an entry for this variant (Variation ID: 1018385). Invitae Evidence Modeling of protein sequence and biophysical properties (such as structural, functional, and spatial information, amino acid conservation, physicochemical variation, residue mobility, and thermodynamic stability) indicates that this missense variant is expected to disrupt USH2A protein function with a positive predictive value of 95%. In summary, the available evidence is currently insufficient to determine the role of this variant in disease. Therefore, it has been classified as a Variant of Uncertain Significance.

Laboratory for Molecular Medicine, Mass General Brigham Personalized Medicine
Classification: Uncertain significance. Last evaluated: 2021-04-19. Review status: criteria provided, single submitter. Criteria: ACMG Guidelines, 2015. Collection method: clinical testing. Allele origin: germline.
Comment: The p.Asp903Tyr variant in USH2A has not been previously reported in individuals with hearing loss but has been identified in 0.02% (5/24970) of African/African-American chromosomes by gnomAD. Computational prediction tools and conservation analyses suggest that this variant may impact the protein, though this information is not predictive enough to determine pathogenicity. In summary, the clinical significance of this variant is uncertain. ACMG/AMP Criteria applied: PM2_Supporting, PP3.

Natera, Inc.
Classification: Uncertain significance for Usher syndrome type 2A. Last evaluated: 2021-05-25. Review status: no assertion criteria provided. Collection method: clinical testing. Allele origin: germline. Not counted in ClinVar's aggregate classification.